The following is an entry in ClinVar:

NM_000052.7(ATP7A):c.3658+4A>T

Gene: ATP7A (ATPase copper transporting alpha; plus strand). Cytogenetic location: Xq21.1.
Variant type: single nucleotide variant.
Coding change: c.3658+4A>T on transcript NM_000052.7 (MANE Select); 4 bases into the intron after coding-DNA position 3658, A replaced by T.
Molecular consequence: intron variant.
Genome position (GRCh38, 1-based): chrX:78,038,986, A>T. VCF-style: chrX-78038986-A-T. GRCh37 (hg19) VCF-style: chrX-77294484-A-T.
Other names: c.3424+4A>T (NM_001282224.2).
Identifiers: ClinVar variation 2116904 (VCV002116904.4), dbSNP rs2522410956, ClinGen allele CA2580101986.

ClinVar aggregate classification (germline): Uncertain significance (1 of 4 stars; one submission).

Conditions:
X-linked distal spinal muscular atrophy type 3. Also called: ATP7A-Related Distal Motor Neuropathy; SPINAL MUSCULAR ATROPHY, DISTAL, X-LINKED RECESSIVE; NEURONOPATHY, DISTAL HEREDITARY MOTOR, X-LINKED; NEUROPATHY, DISTAL HEREDITARY MOTOR, X-LINKED. Identifiers: Orphanet 139557, MedGen C1845359, MONDO:0010338, OMIM 300489.
Menkes kinky-hair syndrome (MNK). Also called: Copper transport disease; Menkes Disease; Classic Menkes Disease. Identifiers: Orphanet 565, MedGen C0022716, MONDO:0010651, OMIM 309400.
Cutis laxa, X-linked (OHS). Also called: EDS IX; Occipital horn syndrome. Identifiers: Orphanet 198, MedGen C0268353, MONDO:0010572, OMIM 304150.

Submission:

Labcorp Genetics (formerly Invitae), Labcorp
Classification: Uncertain significance for X-linked distal spinal muscular atrophy type 3; Cutis laxa, X-linked; Menkes kinky-hair syndrome. Last evaluated: 2022-10-14. Review status: criteria provided, single submitter. Criteria: Invitae Variant Classification Sherloc (09022015). Collection method: clinical testing. Allele origin: germline.
Comment: Variants that disrupt the consensus splice site are a relatively common cause of aberrant splicing (PMID: 17576681, 9536098). Algorithms developed to predict the effect of sequence changes on RNA splicing suggest that this variant is not likely to affect RNA splicing. In summary, the available evidence is currently insufficient to determine the role of this variant in disease. Therefore, it has been classified as a Variant of Uncertain Significance. This variant has not been reported in the literature in individuals affected with ATP7A-related conditions. This variant is not present in population databases (gnomAD no frequency). This sequence change falls in intron 18 of the ATP7A gene. It does not directly change the encoded amino acid sequence of the ATP7A protein. It affects a nucleotide within the consensus splice site.

Literature cited by the submitters: PubMed 17576681; PubMed 9536098.